The following is an entry in ClinVar:

NM_004415.4(DSP):c.3504G>T (p.Glu1168Asp)

Gene: DSP (desmoplakin; plus strand). Cytogenetic location: 6p24.3.
Variant type: single nucleotide variant.
Coding change: c.3504G>T on transcript NM_004415.4 (MANE Select); coding-DNA position 3504, G replaced by T.
Protein change: p.Glu1168Asp; replaces glutamic acid 1168 with aspartic acid.
Molecular consequence: missense variant.
Genome position (GRCh38, 1-based): chr6:7,579,694, G>T. VCF-style: chr6-7579694-G-T. GRCh37 (hg19) VCF-style: chr6-7579927-G-T.
Other names: c.3504G>T (NM_004415.3); c.3504G>T, p.Glu1168Asp (NM_001008844.3, NM_001319034.2); short protein forms E1168D.
Identifiers: ClinVar variation 1171817 (VCV001171817.11), dbSNP rs1490403808, ClinGen allele CA362684214.

ClinVar aggregate classification (germline): Uncertain significance. Review status: criteria provided, multiple submitters, no conflicts (2 of 4 stars). 4 submissions from 4 submitters: Uncertain significance (4). Last evaluated 2026-03-27.

Conditions:
Arrhythmogenic cardiomyopathy with wooly hair and keratoderma. Also called: Arrhythmogenic cardiomyopathy with woolly hair and keratoderma; PALMOPLANTAR KERATODERMA WITH LEFT VENTRICULAR CARDIOMYOPATHY AND WOOLLY HAIR; Carvajal syndrome; Dilated cardiomyopathy with woolly hair and keratoderma. Identifiers: Orphanet 65282, MedGen C1854063, MONDO:0011581, OMIM 605676.
Cardiovascular phenotype. Identifiers: MedGen CN230736.
Arrhythmogenic right ventricular dysplasia 8 (ARVD8). Also called: Arrhythmogenic Right Ventricular Dysplasia/Cardiomyopathy 8; ARRHYTHMOGENIC RIGHT VENTRICULAR DYSPLASIA, FAMILIAL, 8; ARRHYTHMOGENIC RIGHT VENTRICULAR CARDIOMYOPATHY 8. Identifiers: MedGen C1843896, MONDO:0011831, OMIM 607450.
Cardiomyopathy (CMYO). Also called: Cardiomyopathies. Identifiers: Orphanet 167848, MedGen C0878544, MONDO:0004994, HP:0001638. Inheritance: Various modes of inheritance.

Allele frequency attached by ClinVar (database versions not stated): TOPMed below 0.00001.
gnomAD v4.1: 1 of 1,613,802 alleles (0.000062%); highest among the groups gnomAD compares: Non-Finnish European, 0.000085%; no homozygotes.

Submissions (4):

Molecular Diagnostic Laboratory for Inherited Cardiovascular Disease, Montreal Heart Institute
Classification: Uncertain significance for Cardiovascular phenotype. Last evaluated: 2026-03-27. Review status: criteria provided, single submitter. Criteria: ACMG Guidelines, 2015. Collection method: clinical testing. Allele origin: germline. Affected: yes.
Comment: PM2

Color Diagnostics, LLC DBA Color Health
Classification: Uncertain significance for Cardiomyopathy. Last evaluated: 2024-03-06. Review status: criteria provided, single submitter. Criteria: ACMG Guidelines, 2015. Collection method: clinical testing. Allele origin: germline.
Comment: This missense variant replaces glutamic acid with aspartic acid at codon 1168 of the DSP protein. Computational prediction suggests that this variant may not impact protein structure and function (internally defined REVEL score threshold <= 0.5, PMID: 27666373). To our knowledge, functional studies have not been reported for this variant. This variant has not been reported in individuals affected with cardiovascular disorders in the literature. This variant has not been identified in the general population by the Genome Aggregation Database (gnomAD). The available evidence is insufficient to determine the role of this variant in disease conclusively. Therefore, this variant is classified as a Variant of Uncertain Significance.

All of Us Research Program, National Institutes of Health
Classification: Uncertain significance for Arrhythmogenic cardiomyopathy with wooly hair and keratoderma. Last evaluated: 2023-04-10. Review status: criteria provided, single submitter. Criteria: ACMG Guidelines, 2015. Collection method: clinical testing. Allele origin: germline. Inheritance: Autosomal dominant inheritance. Observed: 1 variant allele, 1 heterozygote.
Comment: This missense variant replaces glutamic acid with aspartic acid at codon 1168 of the DSP protein. Computational prediction suggests that this variant may not impact protein structure and function (internally defined REVEL score threshold <= 0.5, PMID: 27666373). To our knowledge, functional studies have not been reported for this variant. This variant has not been reported in individuals affected with cardiovascular disorders in the literature. This variant has not been identified in the general population by the Genome Aggregation Database (gnomAD). The available evidence is insufficient to determine the role of this variant in disease conclusively. Therefore, this variant is classified as a Variant of Uncertain Significance.

This study involves interpretation of variants in research participants for the purpose of population health screening. Participant phenotype was not available at the time of variant classification. Additional details can be found in publication PMID: 35346344, PMCID: PMC8962531

Labcorp Genetics (formerly Invitae), Labcorp
Classification: Uncertain significance for Arrhythmogenic cardiomyopathy with wooly hair and keratoderma; Arrhythmogenic right ventricular dysplasia 8. Last evaluated: 2022-12-03. Review status: criteria provided, single submitter. Criteria: Invitae Variant Classification Sherloc (09022015). Collection method: clinical testing. Allele origin: germline.
Comment: In summary, the available evidence is currently insufficient to determine the role of this variant in disease. Therefore, it has been classified as a Variant of Uncertain Significance. Algorithms developed to predict the effect of missense changes on protein structure and function are either unavailable or do not agree on the potential impact of this missense change (SIFT: "Tolerated"; PolyPhen-2: "Probably Damaging"; Align-GVGD: "Class C0"). ClinVar contains an entry for this variant (Variation ID: 1171817). This variant has not been reported in the literature in individuals affected with DSP-related conditions. This variant is not present in population databases (gnomAD no frequency). This sequence change replaces glutamic acid, which is acidic and polar, with aspartic acid, which is acidic and polar, at codon 1168 of the DSP protein (p.Glu1168Asp).